The following is an entry in ClinVar:

ClinVar aggregate classification (germline): Uncertain significance. Review status: criteria provided, multiple submitters, no conflicts (2 of 4 stars). 2 submissions from 2 submitters: Uncertain significance (2). Last evaluated 2025-08-11.

Conditions:
Agammaglobulinemia 2, autosomal recessive (AGM2). Also called: AGAMMAGLOBULINEMIA, AUTOSOMAL RECESSIVE, DUE TO IGLL1 DEFECT. Identifiers: MedGen C3150750, MONDO:0013287, OMIM 613500.

Allele frequency attached by ClinVar (database versions not stated): TOPMed below 0.00001; gnomAD 0.00001; gnomAD exomes 0.00001.

Submissions (2):

Ambry Genetics
Classification: Uncertain significance. Last evaluated: 2025-08-11. Review status: criteria provided, single submitter. Criteria: Ambry Variant Classification Scheme 2023. Collection method: clinical testing. Allele origin: germline.

Labcorp Genetics (formerly Invitae), Labcorp
Classification: Uncertain significance for Agammaglobulinemia 2, autosomal recessive. Last evaluated: 2024-12-07. Review status: criteria provided, single submitter. Criteria: Invitae Variant Classification Sherloc (09022015). Collection method: clinical testing. Allele origin: germline.
Comment: This sequence change replaces glutamic acid, which is acidic and polar, with lysine, which is basic and polar, at codon 199 of the IGLL1 protein (p.Glu199Lys). This variant is present in population databases (no rsID available, gnomAD 0.003%). This variant has not been reported in the literature in individuals affected with IGLL1-related conditions. ClinVar contains an entry for this variant (Variation ID: 2913061). An algorithm developed to predict the effect of missense changes on protein structure and function (PolyPhen-2) suggests that this variant is likely to be tolerated. In summary, the available evidence is currently insufficient to determine the role of this variant in disease. Therefore, it has been classified as a Variant of Uncertain Significance.

NM_020070.4(IGLL1):c.595G>A (p.Glu199Lys)

Gene: IGLL1 (immunoglobulin lambda like polypeptide 1; minus strand). Cytogenetic location: 22q11.23.
Variant type: single nucleotide variant.
Coding change: c.595G>A on transcript NM_020070.4 (MANE Select); coding-DNA position 595, G replaced by A.
Protein change: p.Glu199Lys; replaces glutamic acid 199 with lysine.
Molecular consequence: missense variant. On other transcripts: 3 prime UTR variant (1).
Genome position (GRCh38, 1-based): chr22:23,573,313, C>T on the plus strand (G>A on the coding strand, the complement: IGLL1 is on the minus strand). VCF-style: chr22-23573313-C-T. GRCh37 (hg19) VCF-style: chr22-23915500-C-T.
Other names: c.598G>A, p.Glu200Lys (NM_001369906.1); c.*224G>A (NM_152855.3); short protein forms E200K, E199K.
Identifiers: ClinVar variation 2913061 (VCV002913061.4), dbSNP rs1487300715, ClinGen allele CA410898421.